The following is an entry in ClinVar:

ClinVar aggregate classification (germline): Pathogenic (1 of 4 stars; one submission).

Conditions:
Muscular dystrophy-dystroglycanopathy (congenital with brain and eye anomalies), type a, 11 (MDDGA11). Also called: WALKER-WARBURG SYNDROME OR MUSCLE-EYE-BRAIN DISEASE, B3GALNT2-RELATED; Muscular dystrophy-dystroglycanopathy (congenital with brain and eye anomalies, type A, 11; Congenital muscular dystrophy-dystroglycanopathy with brain and eye anomalies, type A11. Identifiers: Orphanet 588, Orphanet 899, MedGen C3554638, MONDO:0014071, OMIM 615181.

Submission:

Labcorp Genetics (formerly Invitae), Labcorp
Classification: Pathogenic for Muscular dystrophy-dystroglycanopathy (congenital with brain and eye anomalies), type a, 11. Last evaluated: 2025-12-03. Review status: criteria provided, single submitter. Criteria: Invitae Variant Classification Sherloc (09022015). Collection method: clinical testing. Allele origin: germline.
Comment: This sequence change creates a premature translational stop signal (p.Thr347Glufs*10) in the B3GALNT2 gene. It is expected to result in an absent or disrupted protein product. Loss-of-function variants in B3GALNT2 are known to be pathogenic (PMID: 23453667). This variant is present in population databases (no rsID available, gnomAD 0.007%). This variant has not been reported in the literature in individuals affected with B3GALNT2-related conditions. For these reasons, this variant has been classified as Pathogenic.

Literature cited by the submitters: PubMed 23453667.

NM_152490.5(B3GALNT2):c.1038_1039del (p.Thr347fs)

Gene: B3GALNT2 (beta-1,3-N-acetylgalactosaminyltransferase 2; minus strand). Cytogenetic location: 1q42.3.
Variant type: Deletion.
Coding change: c.1038_1039del on transcript NM_152490.5 (MANE Select); coding-DNA positions 1038 to 1039, 2 bases deleted (AA; older notation c.1038_1039delAA).
Protein change: p.Thr347fs; shifts the reading frame from threonine 347.
Molecular consequence: frameshift variant.
Genome position (GRCh38, 1-based): chr1:235,455,671-235,455,672, TT deleted on the plus strand (AA on the coding strand, the reverse complement: B3GALNT2 is on the minus strand). VCF-style (leftmost placement, unchanged base first): chr1-235455670-GTT-G. GRCh37 (hg19) VCF-style: chr1-235618982-GTT-G.
Other names: short protein forms T347fs.
Identifiers: ClinVar variation 4755320 (VCV004755320.1).
Genomic context (GRCh38, chr1:235,455,670, plus strand): 5'-AATACAGCTTCGAGGTCTATGTAACAGTCATCATCTGTCTTCAGCAACAAATTGAAGCTC[GTT>G]GTTTCCACAGTCCTGTTGACACAAAAGGGATAAGAAAGTCAGTGCGACCAAACAAACAAA-3'